The following is an entry in ClinVar:

NM_022089.4(ATP13A2):c.2587del (p.Val863fs)

Gene: ATP13A2 (ATPase cation transporting 13A2; minus strand). Cytogenetic location: 1p36.13.
Variant type: Deletion.
Coding change: c.2587del on transcript NM_022089.4 (MANE Select); coding-DNA position 2587, one base deleted (G; older notation c.2587delG).
Protein change: p.Val863fs; shifts the reading frame from valine 863.
Molecular consequence: frameshift variant.
Genome position (GRCh38, 1-based): chr1:16,989,713, C deleted on the plus strand (G on the coding strand, the reverse complement: ATP13A2 is on the minus strand); the first of 2 consecutive C bases (chr1:16,989,713-16,989,714); deleting either gives the same sequence. VCF-style (leftmost placement, unchanged base first): chr1-16989712-AC-A. GRCh37 (hg19) VCF-style: chr1-17316207-AC-A.
Other names: c.2572del, p.Val858fs (NM_001141973.3); c.2455del, p.Val819fs (NM_001141974.3); short protein forms V863fs, V858fs, V819fs.
Identifiers: ClinVar variation 2022009 (VCV002022009.4), dbSNP rs2523049776, ClinGen allele CA2580060657.

ClinVar aggregate classification (germline): Pathogenic (1 of 4 stars; one submission).

Conditions:
Autosomal recessive spastic paraplegia type 78. Identifiers: Orphanet 513436, MedGen C5567893, MONDO:0014975, OMIM 617225.
Kufor-Rakeb syndrome (KRS). Also called: PARKINSON DISEASE 9, AUTOSOMAL RECESSIVE, JUVENILE-ONSET. Identifiers: Orphanet 306674, Orphanet 314632, MedGen C1847640, MONDO:0011706, OMIM 606693.

Submission:

Labcorp Genetics (formerly Invitae), Labcorp
Classification: Pathogenic for Kufor-Rakeb syndrome; Autosomal recessive spastic paraplegia type 78. Last evaluated: 2022-08-05. Review status: criteria provided, single submitter. Criteria: Invitae Variant Classification Sherloc (09022015). Collection method: clinical testing. Allele origin: germline.
Comment: This sequence change creates a premature translational stop signal (p.Val863Cysfs*24) in the ATP13A2 gene. It is expected to result in an absent or disrupted protein product. Loss-of-function variants in ATP13A2 are known to be pathogenic (PMID: 16964263, 21696388). This variant is not present in population databases (gnomAD no frequency). This variant has not been reported in the literature in individuals affected with ATP13A2-related conditions. For these reasons, this variant has been classified as Pathogenic.

Literature cited by the submitters: PubMed 16964263; PubMed 21696388.